The following is an entry in ClinVar:

ClinVar aggregate classification (germline): Uncertain significance. Review status: criteria provided, multiple submitters, no conflicts (2 of 4 stars). 3 submissions from 3 submitters: Uncertain significance (3). Last evaluated 2025-05-06.

Conditions:
Deficiency of aromatic-L-amino-acid decarboxylase. Also called: Aromatic L-Amino Acid Decarboxylase Deficiency; Aromatic amino acid decarboxylase deficiency; AADC DEFICIENCY; DDC DEFICIENCY; DOPA DECARBOXYLASE DEFICIENCY. Identifiers: Orphanet 35708, MedGen C1291564, MONDO:0012084, OMIM 608643.

Allele frequency attached by ClinVar (database versions not stated): gnomAD 0.00003 and 0.00004; ExAC 0.00005; TOPMed 0.00006.
gnomAD v4.1: 134 of 1,613,020 alleles (0.0083%); highest among the groups gnomAD compares: Non-Finnish European, 0.011%; no homozygotes.

Submissions (3):

Women's Health and Genetics/Laboratory Corporation of America, LabCorp
Classification: Uncertain significance. Last evaluated: 2025-05-06. Review status: criteria provided, single submitter. Criteria: LabCorp Variant Classification Summary - May 2015. Collection method: clinical testing. Allele origin: germline.
Comment: Variant summary: DDC c.565G>C (p.Asp189His) results in a non-conservative amino acid change in the encoded protein sequence. Algorithms developed to predict the effect of missense changes on protein structure and function are either unavailable or do not agree on the potential impact of this missense change. The variant allele was found at a frequency of 4e-05 in 251438 control chromosomes. This frequency is not significantly higher than estimated for a pathogenic variant in DDC causing Deficiency Of Aromatic-L-Amino-Acid Decarboxylase (4e-05 vs 0.0011), allowing no conclusion about variant significance. To our knowledge, no occurrence of c.565G>C in individuals affected with Deficiency Of Aromatic-L-Amino-Acid Decarboxylase and no experimental evidence demonstrating its impact on protein function have been reported. ClinVar contains an entry for this variant (Variation ID: 360435). Based on the evidence outlined above, the variant was classified as uncertain significance.

Labcorp Genetics (formerly Invitae), Labcorp
Classification: Uncertain significance for Deficiency of aromatic-L-amino-acid decarboxylase. Last evaluated: 2024-07-19. Review status: criteria provided, single submitter. Criteria: Invitae Variant Classification Sherloc (09022015). Collection method: clinical testing. Allele origin: germline.
Comment: This sequence change replaces aspartic acid, which is acidic and polar, with histidine, which is basic and polar, at codon 189 of the DDC protein (p.Asp189His). This variant is present in population databases (rs539762148, gnomAD 0.007%). This variant has not been reported in the literature in individuals affected with DDC-related conditions. ClinVar contains an entry for this variant (Variation ID: 360435). Advanced modeling of protein sequence and biophysical properties (such as structural, functional, and spatial information, amino acid conservation, physicochemical variation, residue mobility, and thermodynamic stability) performed at Invitae indicates that this missense variant is not expected to disrupt DDC protein function with a negative predictive value of 80%. In summary, the available evidence is currently insufficient to determine the role of this variant in disease. Therefore, it has been classified as a Variant of Uncertain Significance.

Illumina Laboratory Services, Illumina
Classification: Uncertain significance for Deficiency of aromatic-L-amino-acid decarboxylase. Last evaluated: 2018-01-13. Review status: criteria provided, single submitter. Criteria: ICSL Variant Classification Criteria 13 December 2019. Collection method: clinical testing. Allele origin: germline.

NM_001082971.2(DDC):c.565G>C (p.Asp189His)

Gene: DDC (dopa decarboxylase; minus strand). Cytogenetic location: 7p12.1.
Variant type: single nucleotide variant.
Coding change: c.565G>C on transcript NM_001082971.2 (MANE Select); coding-DNA position 565, G replaced by C.
Protein change: p.Asp189His; replaces aspartic acid 189 with histidine.
Molecular consequence: missense variant. On other transcripts: intron variant (1).
Genome position (GRCh38, 1-based): chr7:50,529,213, C>G on the plus strand (G>C on the coding strand, the complement: DDC is on the minus strand). VCF-style: chr7-50529213-C-G. GRCh37 (hg19) VCF-style: chr7-50596911-C-G.
Other names: c.565G>C, p.Asp189His (NM_000790.4, NM_001242887.2, NM_001242890.2); c.451G>C, p.Asp151His (NM_001242886.2); c.331G>C, p.Asp111His (NM_001242888.2); c.435+8647G>C (NM_001242889.2); short protein forms D189H, D151H, D111H.
Identifiers: ClinVar variation 360435 (VCV000360435.10), dbSNP rs539762148, ClinGen allele CA4262338.